The following is an entry in ClinVar:

NM_000370.3(TTPA):c.206del (p.Leu69fs)

Gene: TTPA (alpha tocopherol transfer protein; minus strand). Cytogenetic location: 8q12.3.
Variant type: Deletion.
Coding change: c.206del on transcript NM_000370.3 (MANE Select); coding-DNA position 206, one base deleted (T; older notation c.206delT).
Protein change: p.Leu69fs; shifts the reading frame from leucine 69.
Molecular consequence: frameshift variant. On other transcripts: non-coding transcript variant (2), intron variant (2).
Genome position (GRCh38, 1-based): chr8:63,073,087, A deleted on the plus strand (T on the coding strand, the reverse complement: TTPA is on the minus strand); the first of 2 consecutive A bases (chr8:63,073,087-63,073,088); deleting either gives the same sequence. VCF-style (leftmost placement, unchanged base first): chr8-63073086-TA-T. GRCh37 (hg19) VCF-style: chr8-63985645-TA-T.
Other names: c.206del, p.Leu69fs (NM_001413415.1, NM_001413416.1, NM_001413418.1); c.205-11662del (NM_001413417.1); c.205-8771del (NM_001413414.1); short protein forms L69fs.
Identifiers: ClinVar variation 5004807 (VCV005004807.1).
Genomic context (GRCh38, chr8:63,073,086, plus strand): 5'-AGGGTGTAGATCTGCACTTATTTCTGGACATTCTGCTCTCCACTTATAATAGTTTTTTAG[TA>T]ACTGAAAAATAAAATTAAAATTGTCTACAAATGGCATACATGGTAATGATTTTGTAAAAA-3'

ClinVar aggregate classification (germline): Pathogenic (1 of 4 stars; one submission).

Conditions:
Familial isolated deficiency of vitamin E (AVED). Also called: ATAXIA, FRIEDREICH-LIKE, WITH SELECTIVE VITAMIN E DEFICIENCY; Ataxia with isolated vitamin E deficiency. Identifiers: Orphanet 96, MedGen C1848533, MONDO:0010188, OMIM 277460.

Submission:

Myriad Genetics, Inc.
Classification: Pathogenic for Familial isolated deficiency of vitamin E. Last evaluated: 2026-07-22. Review status: criteria provided, single submitter. Criteria: Myriad Autosomal Dominant, Autosomal Recessive and X-Linked Classification Criteria (2023). Collection method: clinical testing. Allele origin: unknown.
Comment: NM_000370.3(TTPA):c.206delT(L69Yfs*2) is a frameshift variant classified as pathogenic in the context of ataxia with vitamin E deficiency. L69Yfs*2 has not been observed in cases with relevant disease. Relevant functional assessments of this variant are not available in the literature. L69Yfs*2 has not been observed in referenced population frequency databases. In summary, NM_000370.3(TTPA):c.206delT(L69Yfs*2) is a frameshift variant in a gene where loss of function is a known mechanism of disease and is predicted to disrupt protein function. Please note: this variant was assessed in the context of healthy population screening.